The following is an entry in ClinVar:

NM_004304.5(ALK):c.2065G>A (p.Gly689Arg)

Gene: ALK (ALK receptor tyrosine kinase; minus strand). Cytogenetic location: 2p23.2.
Variant type: single nucleotide variant.
Coding change: c.2065G>A on transcript NM_004304.5 (MANE Select); coding-DNA position 2065, G replaced by A.
Protein change: p.Gly689Arg; replaces glycine 689 with arginine.
Molecular consequence: missense variant.
Genome position (GRCh38, 1-based): chr2:29,251,244, C>T on the plus strand (G>A on the coding strand, the complement: ALK is on the minus strand). VCF-style: chr2-29251244-C-T. GRCh37 (hg19) VCF-style: chr2-29474110-C-T.
Other names: c.2065G>A (NM_004304.4); short protein forms G689R.
Identifiers: ClinVar variation 1460589 (VCV001460589.7), dbSNP rs1664809619, ClinGen allele CA346477181.
Genomic context (GRCh38, chr2:29,251,244, plus strand): 5'-TGGAGTTCTGGTAGGCGTTGTTGCACTGTGCCTGGGTGGGGCCATGGGGCCCGCTGGCCC[C>T]ACATGTGGTGAACAGCCAATGAACTGTGGCACAAGAGGAGAGGCAGTCACTCATGTGGCC-3'
Protein context (NP_004295.2, residues 679-699): PTVHWLFTTC[Gly689Arg]ASGPHGPTQA

ClinVar aggregate classification (germline): Uncertain significance. Review status: criteria provided, multiple submitters, no conflicts (2 of 4 stars). 2 submissions from 2 submitters: Uncertain significance (2). Last evaluated 2026-06-22.

Conditions:
Neuroblastoma, susceptibility to, 3. Also called: ALK-Related Neuroblastic Tumor Susceptibility. Identifiers: Orphanet 635, MedGen C2751681, MONDO:0013083, OMIM 613014.
Hereditary cancer-predisposing syndrome. Also called: Hereditary Cancer Syndrome; Tumor predisposition; Neoplastic Syndromes, Hereditary; Hereditary neoplastic syndrome. Identifiers: Orphanet 140162, MedGen C0027672, MeSH D009386, MONDO:0015356.

Submissions (2):

Ambry Genetics
Classification: Uncertain significance for Hereditary cancer-predisposing syndrome. Last evaluated: 2026-06-22. Review status: criteria provided, single submitter. Criteria: Ambry Variant Classification Scheme 2023. Collection method: clinical testing. Allele origin: germline.
Comment: The p.G689R variant (also known as c.2065G>A), located in coding exon 12 of the ALK gene, results from a G to A substitution at nucleotide position 2065. The glycine at codon 689 is replaced by arginine, an amino acid with dissimilar properties. This amino acid position is highly conserved in available vertebrate species. In addition, this alteration is predicted to be deleterious by in silico analysis. Based on the available evidence, the clinical significance of this variant remains unclear.

Labcorp Genetics (formerly Invitae), Labcorp
Classification: Uncertain significance for Neuroblastoma, susceptibility to, 3. Last evaluated: 2023-09-15. Review status: criteria provided, single submitter. Criteria: Invitae Variant Classification Sherloc (09022015). Collection method: clinical testing. Allele origin: germline.
Comment: Algorithms developed to predict the effect of sequence changes on RNA splicing suggest that this variant may create or strengthen a splice site. In summary, the available evidence is currently insufficient to determine the role of this variant in disease. Therefore, it has been classified as a Variant of Uncertain Significance. An algorithm developed to predict the effect of missense changes on protein structure and function (PolyPhen-2) suggests that this variant is likely to be disruptive. ClinVar contains an entry for this variant (Variation ID: 1460589). This variant has not been reported in the literature in individuals affected with ALK-related conditions. This variant is not present in population databases (gnomAD no frequency). This sequence change replaces glycine, which is neutral and non-polar, with arginine, which is basic and polar, at codon 689 of the ALK protein (p.Gly689Arg).